The following is an entry in ClinVar:

ClinVar aggregate classification (germline): Likely benign. Review status: criteria provided, multiple submitters, no conflicts (2 of 4 stars). 3 submissions from 3 submitters: Likely benign (3). Last evaluated 2025-04-02.

Conditions:
Marfan syndrome (MFS). Also called: MARFAN SYNDROME, TYPE I; Marfan syndrome type 1; Marfan's syndrome; Marfan syndrome, classic; FBN1-Related Marfan Syndrome. Identifiers: Orphanet 284963, Orphanet 558, MedGen C0024796, MONDO:0007947, OMIM 154700.
Familial thoracic aortic aneurysm and aortic dissection (TAAD). Also called: Thoracic aortic aneurysms and dissections. Identifiers: Orphanet 91387, MedGen C4707243, MONDO:0019625.

Allele frequency attached by ClinVar (database versions not stated): gnomAD exomes below 0.00001.
gnomAD v4.1: 5 of 1,613,818 alleles (0.00031%); highest among the groups gnomAD compares: Non-Finnish European, 0.00042%; no homozygotes.

Submissions (3):

Labcorp Genetics (formerly Invitae), Labcorp
Classification: Likely benign for Marfan syndrome; Familial thoracic aortic aneurysm and aortic dissection. Last evaluated: 2025-04-02. Review status: criteria provided, single submitter. Criteria: Invitae Variant Classification Sherloc (09022015). Collection method: clinical testing. Allele origin: germline.

Ambry Genetics
Classification: Likely benign for Familial thoracic aortic aneurysm and aortic dissection. Last evaluated: 2024-01-27. Review status: criteria provided, single submitter. Criteria: Ambry Variant Classification Scheme 2023. Collection method: clinical testing. Allele origin: germline.

All of Us Research Program, National Institutes of Health
Classification: Likely benign for Marfan syndrome. Last evaluated: 2023-05-16. Review status: criteria provided, single submitter. Criteria: ACMG Guidelines, 2015. Collection method: clinical testing. Allele origin: germline. Inheritance: Autosomal dominant inheritance. Observed: 1 variant allele, 1 heterozygote.
Comment: This study involves interpretation of variants in research participants for the purpose of population health screening. Participant phenotype was not available at the time of variant classification. Additional details can be found in publication PMID: 35346344, PMCID: PMC8962531

NM_000138.5(FBN1):c.258G>T (p.Arg86=)

Gene: FBN1 (fibrillin 1; minus strand). Cytogenetic location: 15q21.1.
Variant type: single nucleotide variant.
Coding change: c.258G>T on transcript NM_000138.5 (MANE Select); coding-DNA position 258, G replaced by T.
Protein change: p.Arg86=; no amino-acid change (arginine 86 retained).
Molecular consequence: synonymous variant.
Genome position (GRCh38, 1-based): chr15:48,610,816, C>A on the plus strand (G>T on the coding strand, the complement: FBN1 is on the minus strand). VCF-style: chr15-48610816-C-A. GRCh37 (hg19) VCF-style: chr15-48903013-C-A.
Other names: c.258G>T, p.Arg86= (NM_001406716.1, NM_001406717.1).
Identifiers: ClinVar variation 2078085 (VCV002078085.6), dbSNP rs930004823, ClinGen allele CA270059139.